The following is an entry in ClinVar:

NM_000492.4(CFTR):c.274-5T>A

Gene: CFTR (CF transmembrane conductance regulator; plus strand). Cytogenetic location: 7q31.2.
Variant type: single nucleotide variant.
Coding change: c.274-5T>A on transcript NM_000492.4 (MANE Select); 5 bases into the intron before coding-DNA position 274, T replaced by A.
Molecular consequence: intron variant.
Genome position (GRCh38, 1-based): chr7:117,530,894, T>A. VCF-style: chr7-117530894-T-A. GRCh37 (hg19) VCF-style: chr7-117170948-T-A.
Identifiers: ClinVar variation 1397691 (VCV001397691.11), dbSNP rs1454461758, ClinGen allele CA577670847.
Genomic context (GRCh38, chr7:117,530,894, plus strand): 5'-AAATTCTCAGGGTATTTTATGAGAAATAAATGAAATTTAATTTCTCTGTTTTTCCCCTTT[T>A]GTAGGAAGTCACCAAAGCAGTACAGCCTCTCTTACTGGGAAGAATCATAGCTTCCTATGA-3'

ClinVar aggregate classification (germline): Uncertain significance. Review status: criteria provided, multiple submitters, no conflicts (2 of 4 stars). 2 submissions from 2 submitters: Uncertain significance (2). Last evaluated 2026-03-07.

Conditions:
Cystic fibrosis (CF). Also called: MUCOVISCIDOSIS. Identifiers: Orphanet 586, MedGen C0010674, MONDO:0009061, OMIM 219700. Disease mechanism: loss of function.

Allele frequency attached by ClinVar (database versions not stated): gnomAD exomes below 0.00001.
gnomAD v4.1: 1 of 1,587,108 alleles (0.000063%); highest among the groups gnomAD compares: Admixed American, 0.0017%; no homozygotes.

Submissions (2):

Ambry Genetics
Classification: Uncertain significance for Cystic fibrosis. Last evaluated: 2026-03-07. Review status: criteria provided, single submitter. Criteria: Ambry Variant Classification Scheme 2023. Collection method: clinical testing. Allele origin: germline.
Comment: The c.274-5T>A intronic variant results from a T to A substitution 5 nucleotides upstream from coding exon 4 in the CFTR gene. This nucleotide position is well conserved in available vertebrate species. In silico splice site analysis predicts that this alteration will weaken the native splice acceptor site and will result in the creation or strengthening of a novel splice acceptor site. Based on the available evidence, the clinical significance of this variant remains unclear.

Labcorp Genetics (formerly Invitae), Labcorp
Classification: Uncertain significance for Cystic fibrosis. Last evaluated: 2023-01-01. Review status: criteria provided, single submitter. Criteria: Invitae Variant Classification Sherloc (09022015). Collection method: clinical testing. Allele origin: germline.
Comment: This sequence change falls in intron 3 of the CFTR gene. It does not directly change the encoded amino acid sequence of the CFTR protein. This variant is present in population databases (no rsID available, gnomAD 0.003%). This variant has been observed in individual(s) with clinical features of cystic fibrosis (Invitae). In at least one individual the data is consistent with being in trans (on the opposite chromosome) from a pathogenic variant. ClinVar contains an entry for this variant (Variation ID: 1397691). Algorithms developed to predict the effect of sequence changes on RNA splicing suggest that this variant may disrupt the consensus splice site. In summary, the available evidence is currently insufficient to determine the role of this variant in disease. Therefore, it has been classified as a Variant of Uncertain Significance.